The following is an entry in ClinVar:

NC_000017.10:g.(?_16229094)_(16229212_?)dup

Gene: PIGL (phosphatidylinositol glycan anchor biosynthesis class L; plus strand). Cytogenetic location: 17p11.2.
Variant type: Duplication.
Identifiers: ClinVar variation 1411114 (VCV001411114.5).

ClinVar aggregate classification (germline): Uncertain significance (1 of 4 stars; one submission).

Submission:

Labcorp Genetics (formerly Invitae), Labcorp
Classification: Uncertain significance. Last evaluated: 2023-08-17. Review status: criteria provided, single submitter. Criteria: Invitae Variant Classification Sherloc (09022015). Collection method: clinical testing. Allele origin: germline.
Comment: In summary, the available evidence is currently insufficient to determine the role of this variant in disease. Therefore, it has been classified as a Variant of Uncertain Significance. Experimental studies and prediction algorithms are not available or were not evaluated, and the functional significance of this variant is currently unknown. This variant has not been reported in the literature in individuals affected with PIGL-related conditions. This variant results in a copy number gain of the genomic region encompassing exon(s) 7 of the PIGL gene. This region includes the termination codon of the gene. This copy number gain extends beyond the assayed region for this gene and therefore may encompass additional genes. As the precise location of this event is unknown, it may be in tandem or it may be located elsewhere in the genome.